The following is an entry in ClinVar:

ClinVar aggregate classification (germline): Uncertain significance (1 of 4 stars; one submission).

Conditions:
Glutathione synthetase deficiency with 5-oxoprolinuria. Also called: 5-OXOPROLINURIA DUE TO GLUTATHIONE SYNTHETASE DEFICIENCY; 5-Oxoprolinuria; Gluthathione synthetase deficiency; Reduced glutathione synthetase level; PYROGLUTAMIC ACIDURIA. Identifiers: Orphanet 289846, MedGen C0398746, MONDO:0009947, OMIM 266130, HP:0003343.

Submission:

Labcorp Genetics (formerly Invitae), Labcorp
Classification: Uncertain significance for Glutathione synthetase deficiency with 5-oxoprolinuria. Last evaluated: 2022-02-06. Review status: criteria provided, single submitter. Criteria: Invitae Variant Classification Sherloc (09022015). Collection method: clinical testing. Allele origin: germline.
Comment: This sequence change replaces lysine, which is basic and polar, with asparagine, which is neutral and polar, at codon 437 of the GSS protein (p.Lys437Asn). This variant is not present in population databases (gnomAD no frequency). This variant has not been reported in the literature in individuals affected with GSS-related conditions. ClinVar contains an entry for this variant (Variation ID: 1004243). Algorithms developed to predict the effect of missense changes on protein structure and function (SIFT, PolyPhen-2, Align-GVGD) all suggest that this variant is likely to be tolerated. In summary, the available evidence is currently insufficient to determine the role of this variant in disease. Therefore, it has been classified as a Variant of Uncertain Significance.

NM_000178.4(GSS):c.1311G>C (p.Lys437Asn)

Gene: GSS (glutathione synthetase; minus strand). Cytogenetic location: 20q11.22.
Variant type: single nucleotide variant.
Coding change: c.1311G>C on transcript NM_000178.4 (MANE Select); coding-DNA position 1311, G replaced by C.
Protein change: p.Lys437Asn; replaces lysine 437 with asparagine.
Molecular consequence: missense variant.
Genome position (GRCh38, 1-based): chr20:34,928,942, C>G on the plus strand (G>C on the coding strand, the complement: GSS is on the minus strand). VCF-style: chr20-34928942-C-G. GRCh37 (hg19) VCF-style: chr20-33516745-C-G.
Other names: c.1311G>C, p.Lys437Asn (NM_001322494.1, NM_001322495.1); short protein forms K437N.
Identifiers: ClinVar variation 1004243 (VCV001004243.8), dbSNP rs2081374990, ClinGen allele CA408700050.
Genomic context (GRCh38, chr20:34,928,942, plus strand): 5'-TGCATGCTCGATGGCTTTGGTTCGAAGTAGATGCCCCACGTGCTTGTTCATCACGAGTGT[C>G]TTTTCCTGCCTATAGAAATGGAGGCAGGGGACACACATCACCTGGACTCAGCCCCAAACC-3'
Protein context (NP_000169.1, residues 427-447): GIFGVYVRQE[Lys437Asn]TLVMNKHVGH